The following is an entry in ClinVar:

NM_006031.6(PCNT):c.7179+18G>A

Gene: PCNT (pericentrin; plus strand). Cytogenetic location: 21q22.3.
Variant type: single nucleotide variant.
Coding change: c.7179+18G>A on transcript NM_006031.6 (MANE Select); 18 bases into the intron after coding-DNA position 7179, G replaced by A.
Molecular consequence: intron variant.
Genome position (GRCh38, 1-based): chr21:46,422,142, G>A. VCF-style: chr21-46422142-G-A. GRCh37 (hg19) VCF-style: chr21-47842056-G-A.
Other names: c.6825+18G>A (NM_001315529.2).
Identifiers: ClinVar variation 390122 (VCV000390122.6), dbSNP rs370492724, ClinGen allele CA10080544.
Genomic context (GRCh38, chr21:46,422,142, plus strand): 5'-GGAAGCCATGAAGGAGAAGGAAGTGCGTCCGAAGCACGTGAAGGTATGGCTGGCAGGGGC[G>A]GCCCTCACAGCTTCACATGTGCAGCCTCGGGGCATCCCCCAAGCCCTGTGTCCTGCCTTG-3'

ClinVar aggregate classification (germline): Likely benign. Review status: criteria provided, multiple submitters, no conflicts (2 of 4 stars). 2 submissions from 2 submitters: Likely benign (2). Last evaluated 2026-01-13.

Allele frequency attached by ClinVar (database versions not stated): ExAC 0.00009; gnomAD 0.00015 and 0.00016; 1000 Genomes Project 30x 0.00016; 1000 Genomes Project 0.00020; gnomAD exomes 0.00004; ESP Exome Variant Server 0.00008; TOPMed 0.00008.
gnomAD v4.1: 45 of 1,612,576 alleles (0.0028%); highest among the groups gnomAD compares: African/African-American, 0.051%; no homozygotes.

Submissions (2):

Labcorp Genetics (formerly Invitae), Labcorp
Classification: Likely benign. Last evaluated: 2026-01-13. Review status: criteria provided, single submitter. Criteria: Invitae Variant Classification Sherloc (09022015). Collection method: clinical testing. Allele origin: germline.

GeneDx
Classification: Likely benign. Last evaluated: 2016-10-19. Review status: criteria provided, single submitter. Criteria: GeneDx Variant Classification (06012015). Collection method: clinical testing. Allele origin: germline. Affected: yes.
Comment: This variant is considered likely benign or benign based on one or more of the following criteria: it is a conservative change, it occurs at a poorly conserved position in the protein, it is predicted to be benign by multiple in silico algorithms, and/or has population frequency not consistent with disease.